The following is an entry in ClinVar:

ClinVar aggregate classification (germline): Uncertain significance (1 of 4 stars; one submission).

Conditions:
Dyskeratosis congenita. Identifiers: Orphanet 1775, MedGen C0265965, MONDO:0015780.

Submission:

Ambry Genetics
Classification: Uncertain significance for Dyskeratosis congenita. Last evaluated: 2023-06-10. Review status: criteria provided, single submitter. Criteria: Ambry Variant Classification Scheme 2023. Collection method: clinical testing. Allele origin: germline.
Comment: The p.R41G variant (also known as c.121C>G), located in coding exon 1 of the TERT gene, results from a C to G substitution at nucleotide position 121. The arginine at codon 41 is replaced by glycine, an amino acid with dissimilar properties. This amino acid position is conserved. In addition, this alteration is predicted to be tolerated by in silico analysis. Since supporting evidence is limited at this time, the clinical significance of this alteration remains unclear.

NM_198253.3(TERT):c.121C>G (p.Arg41Gly)

Genes: TERT (telomerase reverse transcriptase; minus strand), LOC110806263 (TERT 5' regulatory region; plus strand). Cytogenetic location: 5p15.33.
Variant type: single nucleotide variant.
Coding change: c.121C>G on transcript NM_198253.3 (MANE Select); coding-DNA position 121, C replaced by G.
Protein change: p.Arg41Gly; replaces arginine 41 with glycine.
Molecular consequence: missense variant. On other transcripts: non-coding transcript variant (2).
Genome position (GRCh38, 1-based): chr5:1,294,869, G>C on the plus strand (C>G on the coding strand, the complement: TERT is on the minus strand). VCF-style: chr5-1294869-G-C. GRCh37 (hg19) VCF-style: chr5-1294984-G-C.
Other names: c.121C>G, p.Arg41Gly (NM_001193376.3, NM_003219.1); short protein forms R41G.
Identifiers: ClinVar variation 3238477 (VCV003238477.1), dbSNP rs2126691944.
Genomic context (GRCh38, chr5:1,294,869, plus strand): 5'-CCCAGGGCACGCACACCAGGCACTGGGCCACCAGCGCGCGGAAAGCCGCCGGGTCCCCGC[G>C]CTGCACCAGCCGCCAGCCCTGGGGCCCCAGGCGCCGCACGAACGTGGCCAGCGGCAGCAC-3'
Protein context (NP_937983.2, residues 31-51): LGPQGWRLVQ[Arg41Gly]GDPAAFRALV